The following is an entry in ClinVar:

ClinVar aggregate classification (germline): Likely benign. Review status: criteria provided, multiple submitters, no conflicts (2 of 4 stars). 3 submissions from 3 submitters: Likely benign (3). Last evaluated 2025-07-14.

Conditions:
Cardiomyopathy (CMYO). Also called: Cardiomyopathies. Identifiers: Orphanet 167848, MedGen C0878544, MONDO:0004994, HP:0001638. Inheritance: Various modes of inheritance.
Atrial septal defect 5 (ASD5). Identifiers: Orphanet 1478, MedGen C2748552, MONDO:0013011, OMIM 612794.
Hypertrophic cardiomyopathy 11. Also called: ACTC1-Related Familial Hypertrophic Cardiomyopathy. Identifiers: MedGen C2677506, MONDO:0012799, OMIM 612098.
Dilated cardiomyopathy 1R (CMD1R). Identifiers: Orphanet 154, Orphanet 54260, MedGen C3150681, MONDO:0013261, OMIM 613424.
Hypertrophic cardiomyopathy. Also called: HYPERTROPHIC MYOCARDIOPATHY. Identifiers: Orphanet 217569, MedGen C0007194, MeSH D002312, MONDO:0005045, HP:0001639.

Allele frequency attached by ClinVar (database versions not stated): gnomAD exomes 0.00001; gnomAD 0.00002; TOPMed 0.00002.
gnomAD v4.1: 13 of 1,613,970 alleles (0.00081%); highest among the groups gnomAD compares: Non-Finnish European, 0.0011%; no homozygotes.

Submissions (3):

Labcorp Genetics (formerly Invitae), Labcorp
Classification: Likely benign for Dilated cardiomyopathy 1R; Hypertrophic cardiomyopathy 11; Atrial septal defect 5. Last evaluated: 2025-07-14. Review status: criteria provided, single submitter. Criteria: Invitae Variant Classification Sherloc (09022015). Collection method: clinical testing. Allele origin: germline.

All of Us Research Program, National Institutes of Health
Classification: Likely benign for Hypertrophic cardiomyopathy. Last evaluated: 2024-05-14. Review status: criteria provided, single submitter. Criteria: ACMG Guidelines, 2015. Collection method: clinical testing. Allele origin: germline. Inheritance: Autosomal dominant inheritance. Observed: 3 variant alleles, 3 heterozygotes.
Comment: This study involves interpretation of variants in research participants for the purpose of population health screening. Participant phenotype was not available at the time of variant classification. Additional details can be found in publication PMID: 35346344, PMCID: PMC8962531

Color Diagnostics, LLC DBA Color Health
Classification: Likely benign for Cardiomyopathy. Last evaluated: 2019-07-26. Review status: criteria provided, single submitter. Criteria: ACMG Guidelines, 2015. Collection method: clinical testing. Allele origin: germline.

NM_005159.5(ACTC1):c.991-13T>C

Genes: GJD2-DT (GJD2 divergent transcript; plus strand), ACTC1 (actin alpha cardiac muscle 1; minus strand). Cytogenetic location: 15q14.
Variant type: single nucleotide variant.
Coding change: c.991-13T>C on transcript NM_005159.5 (MANE Select); 13 bases into the intron before coding-DNA position 991, T replaced by C.
Molecular consequence: intron variant.
Genome position (GRCh38, 1-based): chr15:34,790,568, A>G on the plus strand (T>C on the coding strand, the complement: ACTC1 is on the minus strand). VCF-style: chr15-34790568-A-G. GRCh37 (hg19) VCF-style: chr15-35082769-A-G.
Identifiers: ClinVar variation 923443 (VCV000923443.11), dbSNP rs1375741970, ClinGen allele CA617196816.